The following is an entry in ClinVar:

NM_007190.4(SEC23IP):c.2922-4A>T

Gene: SEC23IP (SEC23 interacting protein; plus strand). Cytogenetic location: 10q26.12.
Variant type: single nucleotide variant.
Coding change: c.2922-4A>T on transcript NM_007190.4 (MANE Select); 4 bases into the intron before coding-DNA position 2922, A replaced by T.
Molecular consequence: intron variant.
Genome position (GRCh38, 1-based): chr10:119,933,682, A>T. VCF-style: chr10-119933682-A-T. GRCh37 (hg19) VCF-style: chr10-121693194-A-T.
Other names: c.2919-4A>T (NM_001411070.1).
Identifiers: ClinVar variation 3035255 (VCV003035255.2), dbSNP rs58111481, ClinGen allele CA5718976.
Genomic context (GRCh38, chr10:119,933,682, plus strand): 5'-ATTGTGCATAGAAGTTAATTTCTTCTAATTGTCTCTTAAGTAAATATGCTTTTCCTTTTC[A>T]TAGGGAATCTGAAGATACTGCTCTGTTACTACTTAAAGAAATTTATCGAACAATGAACAT-3'

ClinVar aggregate classification (germline): Benign (0 of 4 stars; one submission).

Conditions:
SEC23IP-related disorder. Also called: SEC23IP-related condition.

Allele frequency attached by ClinVar (database versions not stated): gnomAD 0.00261; ESP Exome Variant Server 0.00277; 1000 Genomes Project 0.00379; 1000 Genomes Project 30x 0.00422.
gnomAD v4.1: 757 of 1,493,680 alleles (0.051%); highest among the groups gnomAD compares: African/African-American, 0.89%; 4 homozygotes.

Submission:

PreventionGenetics, part of Exact Sciences
Classification: Benign for SEC23IP-related condition. Last evaluated: 2019-08-09. Review status: no assertion criteria provided. Collection method: clinical testing. Allele origin: germline.
Comment: This variant is classified as benign based on ACMG/AMP sequence variant interpretation guidelines (Richards et al. 2015 PMID: 25741868, with internal and published modifications).